The following is an entry in ClinVar:

NM_001384140.1(PCDH15):c.1475dup (p.Val493fs)

Gene: PCDH15 (protocadherin related 15; minus strand). Cytogenetic location: 10q21.1.
Variant type: Duplication.
Coding change: c.1475dup on transcript NM_001384140.1 (MANE Select); coding-DNA position 1475, one base duplicated (C; older notation c.1475dupC).
Protein change: p.Val493fs; shifts the reading frame from valine 493.
Molecular consequence: frameshift variant.
Genome position (GRCh38, 1-based): chr10:54,183,559, G duplicated on the plus strand (C on the coding strand, the reverse complement: PCDH15 is on the minus strand); the first of 2 consecutive G bases (chr10:54,183,559-54,183,560); duplicating either gives the same sequence. VCF-style (leftmost placement, unchanged base first): chr10-54183558-T-TG. GRCh37 (hg19) VCF-style: chr10-55943318-T-TG.
Other names: c.1475dupC (NM_033056.3); c.1490dup, p.Val498fs (NM_001142763.2, NM_001142771.2); c.1475dup, p.Val493fs (NM_001142764.2, NM_001142765.2, NM_001142766.2 and 6 more transcripts); c.1364dup, p.Val456fs (NM_001142767.2); c.1409dup, p.Val471fs (NM_001142768.2, NM_001142773.2, NM_001354404.2); c.1510dup, p.Val505Serfs (NM_001142769.4); c.1496dup, p.Val500fs (NM_001354411.2); short protein forms V500fs, V505fs, V456fs, V498fs, V471fs, V493fs.
Identifiers: ClinVar variation 650649 (VCV000650649.8), dbSNP rs1591019480, ClinGen allele CA915945916.

ClinVar aggregate classification (germline): Pathogenic/Likely pathogenic. Review status: criteria provided, multiple submitters, no conflicts (2 of 4 stars). 3 submissions from 3 submitters: Pathogenic (1); Likely pathogenic (2). Last evaluated 2024-02-26.

Conditions:
Autosomal recessive nonsyndromic hearing loss 23. Identifiers: Orphanet 90636, MedGen C1836027, MONDO:0012293, OMIM 609533.
PCDH15-related disorder. Also called: PCDH15-related disorders; PCDH15-related condition.

Submissions (3):

Baylor Genetics
Classification: Likely pathogenic for Autosomal recessive nonsyndromic hearing loss 23. Last evaluated: 2024-02-26. Review status: criteria provided, single submitter. Criteria: ACMG Guidelines, 2015. Collection method: clinical testing. Allele origin: unknown.

Blueprint Genetics
Classification: Likely pathogenic for PCDH15-related disorders. Last evaluated: 2022-05-24. Review status: criteria provided, single submitter. Criteria: ACMG Guidelines, 2015. Collection method: clinical testing. Allele origin: germline. Affected: yes. Observed: 1 variant allele.

Labcorp Genetics (formerly Invitae), Labcorp
Classification: Pathogenic. Last evaluated: 2022-03-04. Review status: criteria provided, single submitter. Criteria: Invitae Variant Classification Sherloc (09022015). Collection method: clinical testing. Allele origin: germline.
Comment: This sequence change creates a premature translational stop signal (p.Val493Serfs*12) in the PCDH15 gene. It is expected to result in an absent or disrupted protein product. Loss-of-function variants in PCDH15 are known to be pathogenic (PMID: 11398101, 11487575, 14570705). This variant is not present in population databases (gnomAD no frequency). This variant has not been reported in the literature in individuals affected with PCDH15-related conditions. ClinVar contains an entry for this variant (Variation ID: 650649). For these reasons, this variant has been classified as Pathogenic.

Literature cited by the submitters: PubMed 11398101 (cited by Labcorp Genetics (formerly Invitae), Labcorp); PubMed 11487575 (cited by Labcorp Genetics (formerly Invitae), Labcorp); PubMed 14570705 (cited by Labcorp Genetics (formerly Invitae), Labcorp).